The following is an entry in ClinVar:

ClinVar aggregate classification (germline): Pathogenic/Likely pathogenic. Review status: criteria provided, multiple submitters, no conflicts (2 of 4 stars). 2 submissions from 2 submitters: Pathogenic (1); Likely pathogenic (1). Last evaluated 2022-08-16.

Conditions:
RYR1-related disorder. Also called: RYR1-related condition; RYR1-related disorders. Identifiers: MedGen CN239331.
Central core myopathy (CMYO1A). Also called: Central core disease; Myopathy, central fibrillar; CONGENITAL MYOPATHY 1A, AUTOSOMAL DOMINANT, WITH SUSCEPTIBILITY TO MALIGNANT HYPERTHERMIA. Identifiers: Orphanet 597, MedGen C5830701, MONDO:0007294, OMIM 117000.

Submissions (2):

Labcorp Genetics (formerly Invitae), Labcorp
Classification: Pathogenic for RYR1-related disorder. Last evaluated: 2022-08-16. Review status: criteria provided, single submitter. Criteria: Invitae Variant Classification Sherloc (09022015). Collection method: clinical testing. Allele origin: germline.
Comment: For these reasons, this variant has been classified as Pathogenic. ClinVar contains an entry for this variant (Variation ID: 478285). This variant has not been reported in the literature in individuals affected with RYR1-related conditions. This variant is not present in population databases (gnomAD no frequency). This sequence change creates a premature translational stop signal (p.Asp2713Argfs*10) in the RYR1 gene. It is expected to result in an absent or disrupted protein product. Loss-of-function variants in RYR1 are known to be pathogenic (PMID: 20583297, 20839240, 23919265, 28818389).

Lifecell International Pvt. Ltd
Classification: Likely pathogenic for Central core myopathy. Review status: criteria provided, single submitter. Criteria: ACMG Guidelines, 2015. Collection method: clinical testing. Allele origin: germline. Inheritance: Autosomal dominant inheritance. Affected: yes. Observed: 1 heterozygote.
Comment: A Heterozygous Frameshift variant c.8130_8131insC in Exon 51 of the RYR1 gene that results in the amino acid substitution p.Asp2713fs*10 was identified. The observed variant is novel in gnomAD exomes and genomes. The severity of the impact of this variant on the protein is high, based on the effect of the protein and REVEL score . Rare Exome Variant Ensemble Learner (REVEL) is an ensembl method for predicting the pathogenicity of missense variants based on a combination of scores from 13 individual tools: MutPred, FATHMM v2.3, VEST 3.0, PolyPhen-2, SIFT, PROVEAN, MutationAssessor, MutationTaster, LRT, GERP++, SiPhy, phyloP, and phastCons. The REVEL score for an individual missense variant can range from 0 to 1, with higher scores reflecting greater likelihood that the variant is disease-causing. ClinVar has also classified this variant as Pathogenic (Variant ID:478285). For these reasons, this variant has been classified as Likely Pathogenic.

Literature cited by the submitters: PubMed 20583297 (cited by Labcorp Genetics (formerly Invitae), Labcorp); PubMed 20839240 (cited by Labcorp Genetics (formerly Invitae), Labcorp); PubMed 23919265 (cited by Labcorp Genetics (formerly Invitae), Labcorp); PubMed 28818389 (cited by Labcorp Genetics (formerly Invitae), Labcorp).

NM_000540.3(RYR1):c.8136dup (p.Asp2713fs)

Gene: RYR1 (ryanodine receptor 1; plus strand). Cytogenetic location: 19q13.2.
Variant type: Duplication.
Coding change: c.8136dup on transcript NM_000540.3 (MANE Select); coding-DNA position 8136, one base duplicated (C; older notation c.8136dupC).
Protein change: p.Asp2713fs; shifts the reading frame from aspartic acid 2713.
Molecular consequence: frameshift variant.
Genome position (GRCh38, 1-based): chr19:38,504,816, C duplicated; the last of 6 consecutive C bases (chr19:38,504,811-38,504,816); duplicating any one gives the same sequence. VCF-style (leftmost placement, unchanged base first): chr19-38504810-G-GC. GRCh37 (hg19) VCF-style: chr19-38995450-G-GC.
Other names: c.8136dupC (NM_000540.2); c.8136dup, p.Asp2713fs (NM_001042723.2); c.8130_8131insC (NM_000540.3); short protein forms D2713fs.
Identifiers: ClinVar variation 478285 (VCV000478285.7), dbSNP rs761483896, ClinGen allele CA071528.